The following is an entry in ClinVar:

ClinVar aggregate classification (germline): Pathogenic. Review status: criteria provided, multiple submitters, no conflicts (2 of 4 stars). 19 submissions from 19 submitters: Pathogenic (17). 2 of the submissions do not count toward it. Last evaluated 2026-01-25.

Conditions:
ATM-related disorder. Also called: ATM-related disorders; ATM-related condition.
ATM-related cancer predisposition. Also called: ATM-related cancer susceptibility. Identifiers: MedGen CN377759, MONDO:0700270.
Gastric cancer. Also called: Stomach cancer; Malignant tumor of stomach. Identifiers: MedGen C0024623, MeSH D013274, MONDO:0001056, OMIM 613659, HP:0012126.
Ataxia-telangiectasia syndrome (AT). Also called: LOUIS-BAR SYNDROME; Ataxia-telangiectasia, complementation group D; AT, COMPLEMENTATION GROUP C; Ataxia-telangiectasia, complementation group E; Ataxia telangiectasia (A-T); Cerebello-oculocutaneous telangiectasia. Identifiers: Orphanet 100, MedGen C0004135, MONDO:0008840, OMIM 208900.
Breast cancer, susceptibility to. Identifiers: MedGen C3469522. Disease mechanism: gain of function.
Hereditary cancer-predisposing syndrome. Also called: Neoplastic Syndromes, Hereditary; Hereditary Cancer Syndrome; Tumor predisposition; Hereditary neoplastic syndrome. Identifiers: Orphanet 140162, MedGen C0027672, MeSH D009386, MONDO:0015356.
Familial cancer of breast. Also called: BREAST CANCER, FAMILIAL; Hereditary breast cancer; hereditary breast carcinoma. Identifiers: Orphanet 227535, MedGen C0346153, MONDO:0016419, OMIM 114480. Disease mechanism: loss of function.

Allele frequency attached by ClinVar (database versions not stated): ExAC 0.00001; TOPMed 0.00002; gnomAD 0.00001; gnomAD exomes 0.00001.
gnomAD v4.1: 6 of 1,613,682 alleles (0.00037%); highest among the groups gnomAD compares: African/African-American, 0.0013%; no homozygotes.

Submissions 1 to 10 of 19:

Labcorp Genetics (formerly Invitae), Labcorp
Classification: Pathogenic for Ataxia-telangiectasia syndrome. Last evaluated: 2026-01-25. Review status: criteria provided, single submitter. Criteria: Invitae Variant Classification Sherloc (09022015). Collection method: clinical testing. Allele origin: germline.
Comment: This sequence change creates a premature translational stop signal (p.Arg447*) in the ATM gene. It is expected to result in an absent or disrupted protein product. Loss-of-function variants in ATM are known to be pathogenic (PMID: 23807571, 25614872). This variant is present in population databases (rs587779815, gnomAD 0.007%). This premature translational stop signal has been observed in individual(s) with ataxia-telangiectasia and ovarian and prostate cancer (PMID: 8845835, 15164409, 23612382, 24789685, 26681312, 27433846). ClinVar contains an entry for this variant (Variation ID: 127337). For these reasons, this variant has been classified as Pathogenic.

Institute for Genomic Medicine (IGM) Clinical Laboratory, Nationwide Children's Hospital
Classification: Pathogenic for ATM-related cancer predisposition. Last evaluated: 2025-11-25. Review status: criteria provided, single submitter. Criteria: ACMG Guidelines, 2015. Collection method: clinical testing. Allele origin: germline.
Comment: This variant is predicted to result in loss of function through nonsense-mediated decay of the encoded transcript or premature truncation of the encoded protein in a gene in which loss of function is a known mechanism of disease (ACMG/AMP: PVS1; PMIDs:27433846, 26681312, 24763289, 32694154, 38355628). This variant has been reported at an elevated frequency in affected individuals/in multiple affected individuals in the literature (ACMG/AMP: PS4; PMIDs:26681312, 28779002, 24763289, 27433846, 32694154, 40161544, 38355628). This variant is absent from or present at an exceedingly low frequency in gnomAD, a large-scale control population database (ACMG/AMP: PM2). This variant has been observed in trans with a pathogenic variant (ACMG/AMP: PM3; PMID:23612382).

PreventionGenetics, part of Exact Sciences
Classification: Pathogenic for ATM-related condition. Last evaluated: 2025-11-04. Review status: criteria provided, single submitter. Criteria: ACMG Guidelines, 2015. Collection method: clinical testing. Allele origin: germline.
Comment: The ATM c.1339C>T variant is predicted to result in premature protein termination (p.Arg447*). This variant has been reported in the homozygous state in individuals with ataxia telangiectasia (Gilad et al. 1996. PubMed ID: 8845835; Fares et al. 2004. PubMed ID: 15164409). This variant has also been reported as a germline heterozygous variant in individuals with prostate, breast, and/or ovarian cancers (see for examples: Table S2 in Pritchard et al. 2016. PubMed ID: 27433846; Table S5 in Decker et al. 2017. PubMed ID: 28779002; Table S1 in Carter et al. 2018. PubMed ID: 30322717). This variant is reported in 0.0062% of alleles in individuals of African descent in gnomAD and is classified as likely pathogenic or pathogenic in ClinVar (Variation ID: 127337). Nonsense variants in ATM are expected to be pathogenic. This variant is interpreted as pathogenic.

Natera, Inc.
Classification: Pathogenic for Ataxia-telangiectasia. Last evaluated: 2025-08-25. Review status: criteria provided, single submitter. Criteria: Natera Variant Classification Schema (03/2026). Collection method: clinical testing. Allele origin: germline.
Comment: The c.1339C>T variant in ATM is a nonsense variant predicted to introduce a stop codon at amino acid 447. This variant is expected to result in nonsense mediated decay, truncation, or a dysfunctional protein product. This variant is rare in the general population with a frequency below the threshold expected for the associated phenotype(s). This variant has been observed in one or more individuals affected with the associated recessive disease, as either homozygous or compound heterozygous with a second variant (PMID: 15164409). Given the available evidence, this variant is classified as Pathogenic.

Color Diagnostics, LLC DBA Color Health
Classification: Pathogenic for Hereditary cancer-predisposing syndrome. Last evaluated: 2024-12-16. Review status: criteria provided, single submitter. Criteria: ACMG Guidelines, 2015. Collection method: clinical testing. Allele origin: germline.
Comment: This variant changes 1 nucleotide in exon 10 of the ATM gene, creating a premature translation stop signal. This variant is expected to result in an absent or non-functional protein product. This variant has been observed in individuals affected with autosomal recessive ataxia-telangiectasia, with several individuals confirmed to be homozygotes or compound heterozygotes with a second pathogenic variant in trans (PMID: 8845835, 15164409, 23612382, 24789685, 25037873), indicating that this variant contributes to disease. This variant has also been reported in individuals affected with breast cancer, ovarian cancer, prostate cancer, and/or underwent hereditary cancer multigene panel testing (PMID: 28779002, 24763289, 26681312, 27433846, 33471991). This variant has been identified in 2/251290 chromosomes in the general population by the Genome Aggregation Database (gnomAD). Loss of ATM function is a known mechanism of disease. Based on the available evidence, this variant is classified as Pathogenic.

Ambry Genetics
Classification: Pathogenic for Hereditary cancer-predisposing syndrome. Last evaluated: 2024-06-18. Review status: criteria provided, single submitter. Criteria: Ambry Variant Classification Scheme 2023. Collection method: clinical testing. Allele origin: germline.
Comment: The p.R447* pathogenic mutation (also known as c.1339C>T), located in coding exon 9 of the ATM gene, results from a C to T substitution at nucleotide position 1339. This changes the amino acid from an arginine to a stop codon within coding exon 9. This mutation has been reported in several individuals with classic ataxia-telangiectasia including three Druze families, suggesting it is a founder mutation in the Druze population (Gilad S et al. Hum. Mol. Genet. 1996 Apr;5:433-9; Fares F et al. Prenat. Diagn. 2004 May;24:358-62). It has also been reported in individuals with breast, ovarian, or prostate cancer (Susswein LR et al. Genet. Med., 2016 08;18:823-32; Pritchard CC et al. N. Engl. J. Med., 2016 Aug;375:443-53; Decker B et al. J. Med. Genet., 2017 Nov;54:732-741). In addition to the clinical data presented in the literature, this alteration is expected to result in loss of function by premature protein truncation or nonsense-mediated mRNA decay. As such, this alteration is interpreted as a disease-causing mutation.

Baylor Genetics
Classification: Pathogenic for Familial cancer of breast. Last evaluated: 2024-01-31. Review status: criteria provided, single submitter. Criteria: ACMG Guidelines, 2015. Collection method: clinical testing. Allele origin: unknown.

Myriad Genetics, Inc.
Classification: Pathogenic for Familial cancer of breast. Last evaluated: 2024-01-16. Review status: criteria provided, single submitter. Criteria: Myriad Autosomal Dominant, Autosomal Recessive and X-Linked Classification Criteria (2023). Collection method: clinical testing. Allele origin: unknown.
Comment: This variant is considered pathogenic. This variant creates a termination codon and is predicted to result in premature protein truncation.

Revvity Omics, Revvity
Classification: Pathogenic for Ataxia-telangiectasia syndrome. Last evaluated: 2023-02-17. Review status: criteria provided, single submitter. Criteria: ACMG Guidelines, 2015. Collection method: clinical testing. Allele origin: germline.

GeneDx
Classification: Pathogenic. Last evaluated: 2023-02-01. Review status: criteria provided, single submitter. Criteria: GeneDx Variant Classification Process June 2021. Collection method: clinical testing. Allele origin: germline. Affected: yes.
Comment: Nonsense variant predicted to result in protein truncation or nonsense mediated decay in a gene for which loss-of-function is a known mechanism of disease; Not observed at significant frequency in large population cohorts (gnomAD); Observed with a pathogenic variant on the opposite allele (in trans) in individuals with ataxia telangiectasia in published literature (Gilad et al., 1996; Fares et al., 2004; Perez-Villena et al., 2013; Hoche et al., 2014; Kraus et al., 2014); Observed in individuals with breast, prostate, and other cancers (Pritchard et al., 2016; Susswein et al., 2016; Barbalho et al., 2021); Truncating variants in this gene are considered pathogenic by a well-established clinical consortium and/or database; This variant is associated with the following publications: (PMID: 27433846, 15164409, 25037873, 26681312, 32522261, 29922827, 35047863, 25525159, 8845835, 23612382, 24763289, 24568663, 26778106, 24789685, 28152038, 28779002, 30322717, 31447099, 31589614, 32427313, 35260754, 35441217, 35586824, 29625052, 30130155, 25303977, 35155181, 36140756, 30772474, 31948886)

NM_000051.4(ATM):c.1339C>T (p.Arg447Ter)

Gene: ATM (ATM serine/threonine kinase; plus strand). Cytogenetic location: 11q22.3.
Variant type: single nucleotide variant.
Coding change: c.1339C>T on transcript NM_000051.4 (MANE Select); coding-DNA position 1339, C replaced by T.
Protein change: p.Arg447Ter; replaces arginine 447 with a stop codon.
Molecular consequence: nonsense.
Genome position (GRCh38, 1-based): chr11:108,250,804, C>T. VCF-style: chr11-108250804-C-T. GRCh37 (hg19) VCF-style: chr11-108121531-C-T.
Other names: p.R447*:CGA>TGA; c.1339C>T, p.Arg447Ter (NM_001351834.2); short protein forms R447*.
Identifiers: ClinVar variation 127337 (VCV000127337.56), dbSNP rs587779815, ClinGen allele CA274271.